The following is an entry in ClinVar:

NM_018718.3(CEP41):c.578A>C (p.Tyr193Ser)

Gene: CEP41 (centrosomal protein 41; minus strand). Cytogenetic location: 7q32.2.
Variant type: single nucleotide variant.
Coding change: c.578A>C on transcript NM_018718.3 (MANE Select); coding-DNA position 578, A replaced by C.
Protein change: p.Tyr193Ser; replaces tyrosine 193 with serine.
Molecular consequence: missense variant. On other transcripts: non-coding transcript variant (1).
Genome position (GRCh38, 1-based): chr7:130,401,945, T>G on the plus strand (A>C on the coding strand, the complement: CEP41 is on the minus strand). VCF-style: chr7-130401945-T-G. GRCh37 (hg19) VCF-style: chr7-130041786-T-G.
Other names: c.578A>C, p.Tyr193Ser (NM_001257158.2); c.530A>C, p.Tyr177Ser (NM_001257159.2); short protein forms Y177S, Y193S.
Identifiers: ClinVar variation 1051444 (VCV001051444.9), dbSNP rs201818904, ClinGen allele CA4485530.

ClinVar aggregate classification (germline): Uncertain significance (1 of 4 stars; one submission).

Conditions:
Joubert syndrome 15 (JBTS15). Identifiers: Orphanet 475, MedGen C3280897, MONDO:0013763, OMIM 614464.

Allele frequency attached by ClinVar (database versions not stated): TOPMed below 0.00001; ExAC 0.00001.
gnomAD v4.1: 3 of 1,608,186 alleles (0.00019%); highest among the groups gnomAD compares: Non-Finnish European, 0.00026%; no homozygotes.

Submission:

Labcorp Genetics (formerly Invitae), Labcorp
Classification: Uncertain significance for Joubert syndrome 15. Last evaluated: 2024-06-25. Review status: criteria provided, single submitter. Criteria: Invitae Variant Classification Sherloc (09022015). Collection method: clinical testing. Allele origin: germline.
Comment: This sequence change replaces tyrosine, which is neutral and polar, with serine, which is neutral and polar, at codon 193 of the CEP41 protein (p.Tyr193Ser). This variant is present in population databases (rs201818904, gnomAD 0.002%). This variant has not been reported in the literature in individuals affected with CEP41-related conditions. ClinVar contains an entry for this variant (Variation ID: 1051444). Advanced modeling of protein sequence and biophysical properties (such as structural, functional, and spatial information, amino acid conservation, physicochemical variation, residue mobility, and thermodynamic stability) performed at Invitae indicates that this missense variant is not expected to disrupt CEP41 protein function with a negative predictive value of 80%. In summary, the available evidence is currently insufficient to determine the role of this variant in disease. Therefore, it has been classified as a Variant of Uncertain Significance.